The following is an entry in ClinVar:

ClinVar aggregate classification (germline): Uncertain significance (1 of 4 stars; one submission).

Conditions:
Catecholaminergic polymorphic ventricular tachycardia 1. Also called: RYR2-Related Catecholaminergic Polymorphic Ventricular Tachycardia; VENTRICULAR TACHYCARDIA, CATECHOLAMINERGIC POLYMORPHIC, 1, WITH OR WITHOUT ATRIAL DYSFUNCTION AND/OR DILATED CARDIOMYOPATHY; VENTRICULAR TACHYCARDIA, STRESS-INDUCED POLYMORPHIC 1. Identifiers: Orphanet 3286, MedGen C1631597, MONDO:0011484, OMIM 604772.

Allele frequency attached by ClinVar (database versions not stated): gnomAD exomes below 0.00001.
gnomAD v4.1: 1 of 1,560,814 alleles (0.000064%); highest among the groups gnomAD compares: African/African-American, 0.0014%; no homozygotes.

Submission:

Labcorp Genetics (formerly Invitae), Labcorp
Classification: Uncertain significance for Catecholaminergic polymorphic ventricular tachycardia 1. Last evaluated: 2021-02-19. Review status: criteria provided, single submitter. Criteria: Invitae Variant Classification Sherloc (09022015). Collection method: clinical testing. Allele origin: germline.
Comment: Algorithms developed to predict the effect of missense changes on protein structure and function are either unavailable or do not agree on the potential impact of this missense change (SIFT: "Tolerated"; PolyPhen-2: "Possibly Damaging"; Align-GVGD: "Class C0"). This variant has not been reported in the literature in individuals with TRDN-related conditions. This variant is not present in population databases (ExAC no frequency). This sequence change replaces lysine with asparagine at codon 328 of the TRDN protein (p.Lys328Asn). The lysine residue is weakly conserved and there is a moderate physicochemical difference between lysine and asparagine. In summary, the available evidence is currently insufficient to determine the role of this variant in disease. Therefore, it has been classified as a Variant of Uncertain Significance.

NM_006073.4(TRDN):c.984A>T (p.Lys328Asn)

Gene: TRDN (triadin; minus strand). Cytogenetic location: 6q22.31.
Variant type: single nucleotide variant.
Coding change: c.984A>T on transcript NM_006073.4 (MANE Select); coding-DNA position 984, A replaced by T.
Protein change: p.Lys328Asn; replaces lysine 328 with asparagine.
Molecular consequence: missense variant.
Genome position (GRCh38, 1-based): chr6:123,438,951, T>A on the plus strand (A>T on the coding strand, the complement: TRDN is on the minus strand). VCF-style: chr6-123438951-T-A. GRCh37 (hg19) VCF-style: chr6-123760096-T-A.
Other names: c.984A>T, p.Lys328Asn (NM_001251987.2); short protein forms K328N.
Identifiers: ClinVar variation 1005087 (VCV001005087.10), dbSNP rs1774733806, ClinGen allele CA365566290.